The following is an entry in ClinVar:

NM_000038.6(APC):c.1958+23_1958+28del

Gene: APC (APC regulator of Wnt signaling pathway; plus strand). Cytogenetic location: 5q22.2.
Variant type: Deletion.
Coding change: c.1958+23_1958+28del on transcript NM_000038.6 (MANE Select); bases 23 to 28 of the intron after coding-DNA position 1958, 6 bases deleted (CTTTTA; older notation c.1958+23_1958+28delCTTTTA).
Molecular consequence: intron variant.
Genome position (GRCh38, 1-based): chr5:112,835,188-112,835,193, CTTTTA deleted; deleting any 6 consecutive bases within chr5:112,835,185-112,835,193 gives the same sequence; the c. name uses the placement nearest the transcript's 3' end. VCF-style (leftmost placement, unchanged base first): chr5-112835184-ATTACTT-A. GRCh37 (hg19) VCF-style: chr5-112170881-ATTACTT-A.
Other names: c.1958+23_1958+28del (NM_001354895.2, NM_001127510.3); c.1988+23_1988+28del (NM_001354897.2); c.1685+23_1685+28del (NM_001354902.2); c.1904+23_1904+28del (NM_001127511.3); c.1883+23_1883+28del (NM_001354898.2); c.1580+23_1580+28del (NM_001354904.2); c.1109+23_1109+28del (NM_001354906.2); c.2012+23_2012+28del (NM_001354896.2); and 5 more.
Identifiers: ClinVar variation 2195553 (VCV002195553.5), dbSNP rs2533346340, ClinGen allele CA2580072483.

ClinVar aggregate classification (germline): Benign/Likely benign. Review status: criteria provided, multiple submitters, no conflicts (2 of 4 stars). 2 submissions from 2 submitters: Benign (1); Likely benign (1). Last evaluated 2024-12-26.

Conditions:
Familial adenomatous polyposis 1 (FAP1). Also called: POLYPOSIS, ADENOMATOUS INTESTINAL; FAMILIAL ADENOMATOUS POLYPOSIS 1, ATTENUATED. Identifiers: MedGen C2713442, MONDO:0021056, OMIM 175100. Disease mechanism: loss of function.

Submissions (2):

Labcorp Genetics (formerly Invitae), Labcorp
Classification: Likely benign for Familial adenomatous polyposis 1. Last evaluated: 2024-12-26. Review status: criteria provided, single submitter. Criteria: Invitae Variant Classification Sherloc (09022015). Collection method: clinical testing. Allele origin: germline.

Myriad Genetics, Inc.
Classification: Benign for Familial adenomatous polyposis 1. Last evaluated: 2024-03-08. Review status: criteria provided, single submitter. Criteria: Myriad Autosomal Dominant, Autosomal Recessive and X-Linked Classification Criteria (2023). Collection method: clinical testing. Allele origin: unknown.
Comment: This variant is considered benign. This variant is intronic and is not expected to impact mRNA splicing.